The following is an entry in ClinVar:

ClinVar aggregate classification (germline): Uncertain significance (1 of 4 stars; one submission).

Conditions:
COG5-congenital disorder of glycosylation. Also called: CDG IIi; CONGENITAL DISORDER OF GLYCOSYLATION, TYPE IIi; COG5-CDG. Identifiers: Orphanet 263487, MedGen C3150876, MONDO:0013325, OMIM 613612.

Allele frequency attached by ClinVar (database versions not stated): gnomAD exomes below 0.00001.
gnomAD v4.1: 1 of 1,613,822 alleles (0.000062%); highest among the groups gnomAD compares: Non-Finnish European, 0.000085%; no homozygotes.

Submission:

Labcorp Genetics (formerly Invitae), Labcorp
Classification: Uncertain significance for COG5-congenital disorder of glycosylation. Last evaluated: 2021-11-23. Review status: criteria provided, single submitter. Criteria: Invitae Variant Classification Sherloc (09022015). Collection method: clinical testing. Allele origin: germline.
Comment: This sequence change replaces aspartic acid, which is acidic and polar, with glycine, which is neutral and non-polar, at codon 67 of the COG5 protein (p.Asp67Gly). This variant is present in population databases (no rsID available, gnomAD 0.0009%). This variant has not been reported in the literature in individuals affected with COG5-related conditions. Algorithms developed to predict the effect of missense changes on protein structure and function are either unavailable or do not agree on the potential impact of this missense change (SIFT: "Deleterious"; PolyPhen-2: "Benign"; Align-GVGD: "Class C0"). In summary, the available evidence is currently insufficient to determine the role of this variant in disease. Therefore, it has been classified as a Variant of Uncertain Significance.

NM_006348.5(COG5):c.107A>G (p.Asp36Gly)

Gene: COG5 (component of oligomeric golgi complex 5; minus strand). Cytogenetic location: 7q22.3.
Variant type: single nucleotide variant.
Coding change: c.107A>G on transcript NM_006348.5 (MANE Select); coding-DNA position 107, A replaced by G.
Protein change: p.Asp36Gly; replaces aspartic acid 36 with glycine.
Molecular consequence: missense variant.
Genome position (GRCh38, 1-based): chr7:107,558,103, T>C on the plus strand (A>G on the coding strand, the complement: COG5 is on the minus strand). VCF-style: chr7-107558103-T-C. GRCh37 (hg19) VCF-style: chr7-107198548-T-C.
Other names: c.107A>G, p.Asp36Gly (NM_001161520.2, NM_001379511.1, NM_001379512.1 and 5 more transcripts); short protein forms D36G.
Identifiers: ClinVar variation 1394728 (VCV001394728.6), dbSNP rs1385437505, ClinGen allele CA368823821.